The following is an entry in ClinVar:

NM_001128840.3(CACNA1D):c.1912A>G (p.Asn638Asp)

Gene: CACNA1D (calcium voltage-gated channel subunit alpha1 D; plus strand). Cytogenetic location: 3p21.1.
Variant type: single nucleotide variant.
Coding change: c.1912A>G on transcript NM_001128840.3 (MANE Select); coding-DNA position 1912, A replaced by G.
Protein change: p.Asn638Asp; replaces asparagine 638 with aspartic acid.
Molecular consequence: missense variant.
Genome position (GRCh38, 1-based): chr3:53,723,811, A>G. VCF-style: chr3-53723811-A-G. GRCh37 (hg19) VCF-style: chr3-53757838-A-G.
Other names: c.1972A>G, p.Asn658Asp (NM_000720.4); c.1912A>G, p.Asn638Asp (NM_001128839.3); short protein forms N638D, N658D.
Identifiers: ClinVar variation 2971322 (VCV002971322.3), dbSNP rs2473699470, ClinGen allele CA353237842.

ClinVar aggregate classification (germline): Uncertain significance (1 of 4 stars; one submission).

Allele frequency attached by ClinVar (database versions not stated): gnomAD exomes below 0.00001.
gnomAD v4.1: 1 of 1,614,042 alleles (0.000062%); highest among the groups gnomAD compares: Non-Finnish European, 0.000085%; no homozygotes.

Submission:

Labcorp Genetics (formerly Invitae), Labcorp
Classification: Uncertain significance. Last evaluated: 2023-09-10. Review status: criteria provided, single submitter. Criteria: Invitae Variant Classification Sherloc (09022015). Collection method: clinical testing. Allele origin: germline.
Comment: This sequence change replaces asparagine, which is neutral and polar, with aspartic acid, which is acidic and polar, at codon 658 of the CACNA1D protein (p.Asn658Asp). This variant is not present in population databases (gnomAD no frequency). This variant has not been reported in the literature in individuals affected with CACNA1D-related conditions. Advanced modeling of protein sequence and biophysical properties (such as structural, functional, and spatial information, amino acid conservation, physicochemical variation, residue mobility, and thermodynamic stability) performed at Invitae indicates that this missense variant is not expected to disrupt CACNA1D protein function. In summary, the available evidence is currently insufficient to determine the role of this variant in disease. Therefore, it has been classified as a Variant of Uncertain Significance.